The following is an entry in ClinVar:

NM_000179.3(MSH6):c.1781T>G (p.Val594Gly)

Gene: MSH6 (mutS homolog 6; plus strand). Cytogenetic location: 2p16.3.
Variant type: single nucleotide variant.
Coding change: c.1781T>G on transcript NM_000179.3 (MANE Select); coding-DNA position 1781, T replaced by G.
Protein change: p.Val594Gly; replaces valine 594 with glycine.
Molecular consequence: missense variant.
Genome position (GRCh38, 1-based): chr2:47,799,764, T>G. VCF-style: chr2-47799764-T-G. GRCh37 (hg19) VCF-style: chr2-48026903-T-G.
Other names: c.1391T>G, p.Val464Gly (NM_001281492.2); c.875T>G, p.Val292Gly (NM_001281493.2, NM_001281494.2); short protein forms V464G, V594G, V292G.
Identifiers: ClinVar variation 960060 (VCV000960060.11), dbSNP rs1669372526, ClinGen allele CA346749248.

ClinVar aggregate classification (germline): Uncertain significance. Review status: criteria provided, multiple submitters, no conflicts (2 of 4 stars). 2 submissions from 2 submitters: Uncertain significance (2). Last evaluated 2023-08-16.

Conditions:
Hereditary nonpolyposis colorectal neoplasms. Identifiers: MedGen C0009405, MeSH D003123.
Hereditary cancer-predisposing syndrome. Also called: Tumor predisposition; Hereditary neoplastic syndrome; Neoplastic Syndromes, Hereditary; Hereditary Cancer Syndrome. Identifiers: Orphanet 140162, MedGen C0027672, MeSH D009386, MONDO:0015356.

Submissions (2):

Labcorp Genetics (formerly Invitae), Labcorp
Classification: Uncertain significance for Hereditary nonpolyposis colorectal neoplasms. Last evaluated: 2023-08-16. Review status: criteria provided, single submitter. Criteria: Invitae Variant Classification Sherloc (09022015). Collection method: clinical testing. Allele origin: germline.
Comment: In summary, the available evidence is currently insufficient to determine the role of this variant in disease. Therefore, it has been classified as a Variant of Uncertain Significance. RNA analysis performed to evaluate the impact of this missense change on mRNA splicing indicates it does not significantly alter splicing (Invitae). Advanced modeling of protein sequence and biophysical properties (such as structural, functional, and spatial information, amino acid conservation, physicochemical variation, residue mobility, and thermodynamic stability) has been performed at Invitae for this missense variant, however the output from this modeling did not meet the statistical confidence thresholds required to predict the impact of this variant on MSH6 protein function. ClinVar contains an entry for this variant (Variation ID: 960060). This variant has not been reported in the literature in individuals affected with MSH6-related conditions. This variant is not present in population databases (gnomAD no frequency). This sequence change replaces valine, which is neutral and non-polar, with glycine, which is neutral and non-polar, at codon 594 of the MSH6 protein (p.Val594Gly).

Ambry Genetics
Classification: Uncertain significance for Hereditary cancer-predisposing syndrome. Last evaluated: 2020-02-10. Review status: criteria provided, single submitter. Criteria: Ambry Variant Classification Scheme 2023. Collection method: clinical testing. Allele origin: germline.
Comment: The p.V594G variant (also known as c.1781T>G), located in coding exon 4 of the MSH6 gene, results from a T to G substitution at nucleotide position 1781. The valine at codon 594 is replaced by glycine, an amino acid with dissimilar properties. This amino acid position is not well conserved in available vertebrate species. In addition, this alteration is predicted to be deleterious by in silico analysis. Since supporting evidence is limited at this time, the clinical significance of this alteration remains unclear.